The following is an entry in ClinVar:

NM_004415.4(DSP):c.6983_6992del (p.Lys2328fs)

Gene: DSP (desmoplakin; plus strand). Cytogenetic location: 6p24.3.
Variant type: Deletion.
Coding change: c.6983_6992del on transcript NM_004415.4 (MANE Select); coding-DNA positions 6983 to 6992, 10 bases deleted (AGCTCCTGTC; older notation c.6983_6992delAGCTCCTGTC).
Protein change: p.Lys2328fs; shifts the reading frame from lysine 2328.
Molecular consequence: frameshift variant.
Genome position (GRCh38, 1-based): chr6:7,584,245-7,584,254, AGCTCCTGTC deleted. VCF-style (leftmost placement, unchanged base first): chr6-7584244-AAGCTCCTGTC-A. GRCh37 (hg19) VCF-style: chr6-7584477-AAGCTCCTGTC-A.
Other names: c.5186_5195del, p.Lys1729fs (NM_001008844.3); c.5654_5663del, p.Lys1885fs (NM_001319034.2); short protein forms K1729fs, K1885fs, K2328fs.
Identifiers: ClinVar variation 3386711 (VCV003386711.1).

ClinVar aggregate classification (germline): Likely pathogenic (1 of 4 stars; one submission).

Conditions:
Arrhythmogenic cardiomyopathy with wooly hair and keratoderma. Also called: Carvajal syndrome; PALMOPLANTAR KERATODERMA WITH LEFT VENTRICULAR CARDIOMYOPATHY AND WOOLLY HAIR; Dilated cardiomyopathy with woolly hair and keratoderma; Arrhythmogenic cardiomyopathy with woolly hair and keratoderma. Identifiers: Orphanet 65282, MedGen C1854063, MONDO:0011581, OMIM 605676.

Submission:

All of Us Research Program, National Institutes of Health
Classification: Likely pathogenic for Arrhythmogenic cardiomyopathy with wooly hair and keratoderma. Last evaluated: 2024-08-19. Review status: criteria provided, single submitter. Criteria: ACMG Guidelines, 2015. Collection method: clinical testing. Allele origin: germline. Inheritance: Autosomal dominant inheritance. Observed: 1 variant allele, 1 heterozygote.
Comment: The c.6983_6992del (p.Lys2328Metfs*24) variant, located in coding exon 24 of the DSP gene, results from a deletion of 10 nucleotides at nucleotide positions 6983 to 6992, causing a translational frameshift with a predicted premature stop codon (p.Lys2328Metfs*24). This variant is predicted to escape nonsense-mediated decay and result in a truncated protein with disrupted plakin repeat domain B (amino acids 2244-2446) and downstream C-terminal portion that has been reported to be essential for interaction with intermediate filaments (PMID: 12101406, 12802069, 21756917). Truncating variants occurring downstream of this variant, including c.7217C>G (p.Ser2406*) and c.7248del (p.Phe2416fs), are known to be disease-causing (ClinVar variation ID: 1326970, 180181). In addition, this variant is absent in general population according to gnomAD. For these reasons, the c.6983_6992del (p.Lys2328Metfs*24) variant in the DSP gene has been classified as likely pathogenic.

This study involves interpretation of variants in research participants for the purpose of population health screening. Participant phenotype was not available at the time of variant classification. Additional details can be found in publication PMID: 35346344, PMCID: PMC8962531

Literature cited by the submitters: PubMed 12101406; PubMed 12802069; PubMed 21756917.